The following is an entry in ClinVar:

NM_003000.3(SDHB):c.501G>T (p.Lys167Asn)

Gene: SDHB (succinate dehydrogenase complex iron sulfur subunit B; minus strand). Cytogenetic location: 1p36.13.
Variant type: single nucleotide variant.
Coding change: c.501G>T on transcript NM_003000.3 (MANE Select); coding-DNA position 501, G replaced by T.
Protein change: p.Lys167Asn; replaces lysine 167 with asparagine.
Molecular consequence: missense variant.
Genome position (GRCh38, 1-based): chr1:17,027,788, C>A on the plus strand (G>T on the coding strand, the complement: SDHB is on the minus strand). VCF-style: chr1-17027788-C-A. GRCh37 (hg19) VCF-style: chr1-17354283-C-A.
Other names: short protein forms K167N.
Identifiers: ClinVar variation 948511 (VCV000948511.8), dbSNP rs1570947881, ClinGen allele CA338272680.
Genomic context (GRCh38, chr1:17,027,788, plus strand): 5'-CAATAAATAGGGACTAATGACCAGTTTCTCACGCTCTTCTATGGACTGCAGATACTGCTG[C>A]TTGCCTTCCTGAGATTCATCCTTCTTCTTCAAATAAGGCTCAATGGATTTGTACTGTGCA-3'
Protein context (NP_002991.2, residues 157-177): LKKKDESQEG[Lys167Asn]QQYLQSIEER

ClinVar aggregate classification (germline): Uncertain significance. Review status: criteria provided, multiple submitters, no conflicts (2 of 4 stars). 2 submissions from 2 submitters: Uncertain significance (2). Last evaluated 2024-09-01.

Conditions:
Gastrointestinal stromal tumor. Also called: Gastrointestinal stromal tumor, somatic; Gastrointestinal stroma tumor. Identifiers: Orphanet 44890, MedGen C0238198, MeSH D046152, MONDO:0011719, OMIM 606764, HP:0100723.
Pheochromocytoma/paraganglioma syndrome 4. Also called: CAROTID BODY TUMORS AND MULTIPLE EXTRAADRENAL PHEOCHROMOCYTOMAS; SDHB-Related Hereditary Paraganglioma-Pheochromocytoma Syndrome; Paragangliomas 4; SDHB-Related Hereditary Paraganglioma-Pheochromocytoma Syndrome (Paragangliomas 4); PARAGANGLIOMA, FAMILIAL MALIGNANT; PARAGANGLIOMAS, HEREDITARY EXTRAADRENAL. Identifiers: Orphanet 29072, MedGen C1861848, MONDO:0007273, OMIM 115310.
Pheochromocytoma. Also called: MAX-Related Hereditary Paraganglioma-Pheochromocytoma Syndrome. Identifiers: Orphanet 29072, MedGen C0031511, MONDO:0008233, OMIM 171300, HP:0002666.
Hereditary cancer-predisposing syndrome. Also called: Hereditary neoplastic syndrome; Neoplastic Syndromes, Hereditary; Hereditary Cancer Syndrome; Tumor predisposition. Identifiers: Orphanet 140162, MedGen C0027672, MeSH D009386, MONDO:0015356.

Submissions (2):

Ambry Genetics
Classification: Uncertain significance for Hereditary cancer-predisposing syndrome. Last evaluated: 2024-09-01. Review status: criteria provided, single submitter. Criteria: Ambry Variant Classification Scheme 2023. Collection method: clinical testing. Allele origin: germline.
Comment: The p.K167N variant (also known as c.501G>T), located in coding exon 5 of the SDHB gene, results from a G to T substitution at nucleotide position 501. The lysine at codon 167 is replaced by asparagine, an amino acid with similar properties. This amino acid position is conserved. In addition, the in silico prediction for this alteration is inconclusive. Based on the available evidence, the clinical significance of this variant remains unclear.

Labcorp Genetics (formerly Invitae), Labcorp
Classification: Uncertain significance for Gastrointestinal stromal tumor; Pheochromocytoma/paraganglioma syndrome 4; Pheochromocytoma. Last evaluated: 2022-03-07. Review status: criteria provided, single submitter. Criteria: Invitae Variant Classification Sherloc (09022015). Collection method: clinical testing. Allele origin: germline.
Comment: In summary, the available evidence is currently insufficient to determine the role of this variant in disease. Therefore, it has been classified as a Variant of Uncertain Significance. This sequence change replaces lysine, which is basic and polar, with asparagine, which is neutral and polar, at codon 167 of the SDHB protein (p.Lys167Asn). This variant is not present in population databases (gnomAD no frequency). This variant has not been reported in the literature in individuals affected with SDHB-related conditions. ClinVar contains an entry for this variant (Variation ID: 948511). Advanced modeling of protein sequence and biophysical properties (such as structural, functional, and spatial information, amino acid conservation, physicochemical variation, residue mobility, and thermodynamic stability) performed at Invitae indicates that this missense variant is not expected to disrupt SDHB protein function.